The following is an entry in ClinVar:

ClinVar aggregate classification (germline): Uncertain significance. Review status: criteria provided, multiple submitters, no conflicts (2 of 4 stars). 2 submissions from 2 submitters: Uncertain significance (2). Last evaluated 2024-05-01.

Conditions:
Mitochondrial complex IV deficiency, nuclear type 3. Also called: Mitochondrial complex 4 deficiency, nuclear type 3. Identifiers: MedGen C5436682, MONDO:0033635, OMIM 619046.

Allele frequency attached by ClinVar (database versions not stated): gnomAD exomes 0.00001; ExAC 0.00002; gnomAD 0.00004.
gnomAD v4.1: 15 of 1,614,230 alleles (0.00093%); highest among the groups gnomAD compares: African/African-American, 0.015%; no homozygotes.

Submissions (2):

Fulgent Genetics
Classification: Uncertain significance for Mitochondrial complex IV deficiency, nuclear type 3. Last evaluated: 2024-05-01. Review status: criteria provided, single submitter. Criteria: ACMG Guidelines, 2015. Collection method: clinical testing. Allele origin: germline.

GeneDx
Classification: Uncertain significance. Last evaluated: 2022-05-19. Review status: criteria provided, single submitter. Criteria: GeneDx Variant Classification Process June 2021. Collection method: clinical testing. Allele origin: germline. Affected: yes.
Comment: In silico analysis supports that this missense variant does not alter protein structure/function; Has not been previously published as pathogenic or benign to our knowledge

NM_001303.4(COX10):c.793T>G (p.Phe265Val)

Genes: COX10 (cytochrome c oxidase assembly factor heme A:farnesyltransferase COX10; plus strand), LOC105943586 (distal CMT1A-REP; plus strand). Cytogenetic location: 17p12.
Variant type: single nucleotide variant.
Coding change: c.793T>G on transcript NM_001303.4 (MANE Select); coding-DNA position 793, T replaced by G.
Protein change: p.Phe265Val; replaces phenylalanine 265 with valine.
Molecular consequence: missense variant.
Genome position (GRCh38, 1-based): chr17:14,192,086, T>G. VCF-style: chr17-14192086-T-G. GRCh37 (hg19) VCF-style: chr17-14095403-T-G.
Other names: short protein forms F265V.
Identifiers: ClinVar variation 1800551 (VCV001800551.2), dbSNP rs755431360, ClinGen allele CA8402426.